The following is an entry in ClinVar:

ClinVar aggregate classification (germline): Uncertain significance. Review status: criteria provided, multiple submitters, no conflicts (2 of 4 stars). 2 submissions from 2 submitters: Uncertain significance (2). Last evaluated 2025-12-07.

Conditions:
Hereditary cancer-predisposing syndrome. Also called: Neoplastic Syndromes, Hereditary; Tumor predisposition; Hereditary Cancer Syndrome; Hereditary neoplastic syndrome. Identifiers: Orphanet 140162, MedGen C0027672, MeSH D009386, MONDO:0015356.

Submissions (2):

Ambry Genetics
Classification: Uncertain significance for Hereditary cancer-predisposing syndrome. Last evaluated: 2025-12-07. Review status: criteria provided, single submitter. Criteria: Ambry Variant Classification Scheme 2023. Collection method: clinical testing. Allele origin: germline.
Comment: The p.L186V variant (also known as c.556T>G), located in coding exon 5 of the ATM gene, results from a T to G substitution at nucleotide position 556. The leucine at codon 186 is replaced by valine, an amino acid with highly similar properties. This amino acid position is highly conserved in available vertebrate species. In addition, this alteration is predicted to be tolerated by in silico analysis. Since supporting evidence is limited at this time, the clinical significance of this alteration remains unclear.

Color Diagnostics, LLC DBA Color Health
Classification: Uncertain significance for Hereditary cancer-predisposing syndrome. Last evaluated: 2023-12-04. Review status: criteria provided, single submitter. Criteria: ACMG Guidelines, 2015. Collection method: clinical testing. Allele origin: germline.
Comment: This missense variant replaces leucine with valine at codon 186 of the ATM protein. Computational prediction suggests that this variant may not impact protein structure and function (internally defined REVEL score threshold <= 0.5, PMID: 27666373). To our knowledge, functional studies have not been reported for this variant. This variant has not been reported in individuals affected with ATM-related disorders in the literature. This variant has not been identified in the general population by the Genome Aggregation Database (gnomAD). The available evidence is insufficient to determine the role of this variant in disease conclusively. Therefore, this variant is classified as a Variant of Uncertain Significance.

NM_000051.4(ATM):c.556T>G (p.Leu186Val)

Gene: ATM (ATM serine/threonine kinase; plus strand). Cytogenetic location: 11q22.3.
Variant type: single nucleotide variant.
Coding change: c.556T>G on transcript NM_000051.4 (MANE Select); coding-DNA position 556, T replaced by G.
Protein change: p.Leu186Val; replaces leucine 186 with valine.
Molecular consequence: missense variant.
Genome position (GRCh38, 1-based): chr11:108,244,012, T>G. VCF-style: chr11-108244012-T-G. GRCh37 (hg19) VCF-style: chr11-108114739-T-G.
Other names: c.556T>G, p.Leu186Val (NM_001351834.2); short protein forms L186V.
Identifiers: ClinVar variation 925962 (VCV000925962.7), dbSNP rs2079700064, ClinGen allele CA382527740.